The following is an entry in ClinVar:

ClinVar aggregate classification (germline): Benign/Likely benign. Review status: criteria provided, multiple submitters, no conflicts (2 of 4 stars). 3 submissions from 3 submitters: Benign (2); Likely benign (1). Last evaluated 2024-11-19.

gnomAD v4.1: 1 of 1,611,324 alleles (0.000062%); highest among the groups gnomAD compares: Non-Finnish European, 0.000085%; no homozygotes.

Submissions (3):

Blueprint Genetics
Classification: Likely benign. Last evaluated: 2024-11-19. Review status: criteria provided, single submitter. Criteria: ACMG Guidelines, 2015. Collection method: clinical testing. Allele origin: germline.

Laboratory for Molecular Medicine, Mass General Brigham Personalized Medicine
Classification: Benign. Last evaluated: 2016-03-28. Review status: criteria provided, single submitter. Criteria: LMM Criteria. Collection method: clinical testing. Allele origin: germline.
Comment: Variant identified in a genome or exome case(s) and assessed due to predicted null impact of the variant or pathogenic assertions in the literature or databases. Disclaimer: This variant has not undergone full assessment. The following are preliminary notes: Frequency

Breakthrough Genomics
Classification: Benign. Review status: criteria provided, single submitter. Criteria: ACMG Guidelines, 2015. Collection method: not provided. Allele origin: germline. Inheritance: Autosomal recessive inheritance. Affected: yes.

NM_003441.4(ZNF141):c.973A>T (p.Thr325Ser)

Gene: ZNF141 (zinc finger protein 141; plus strand). Cytogenetic location: 4p16.3.
Variant type: single nucleotide variant.
Coding change: c.973A>T on transcript NM_003441.4 (MANE Select); coding-DNA position 973, A replaced by T.
Protein change: p.Thr325Ser; replaces threonine 325 with serine.
Molecular consequence: missense variant. On other transcripts: intron variant (1).
Genome position (GRCh38, 1-based): chr4:373,410, A>T. VCF-style: chr4-373410-A-T. GRCh37 (hg19) VCF-style: chr4-367199-A-T.
Other names: c.745A>T, p.Thr249Ser (NM_001348277.2); c.570+403A>T (NM_001348278.2); short protein forms T325S, T249S.
Identifiers: ClinVar variation 403622 (VCV000403622.6), dbSNP rs114931928, ClinGen allele CA2791810.